The following is an entry in ClinVar:

NM_001845.6(COL4A1):c.4845G>A (p.Glu1615=)

Gene: COL4A1 (collagen type IV alpha 1 chain; minus strand). Cytogenetic location: 13q34.
Variant type: single nucleotide variant.
Coding change: c.4845G>A on transcript NM_001845.6 (MANE Select); coding-DNA position 4845, G replaced by A.
Protein change: p.Glu1615=; no amino-acid change (glutamic acid 1615 retained).
Molecular consequence: synonymous variant.
Genome position (GRCh38, 1-based): chr13:110,152,417, C>T on the plus strand (G>A on the coding strand, the complement: COL4A1 is on the minus strand). VCF-style: chr13-110152417-C-T. GRCh37 (hg19) VCF-style: chr13-110804764-C-T.
Other names: p.Glu1615=; c.4845G>A (NM_001845.5).
Identifiers: ClinVar variation 1050508 (VCV001050508.13), dbSNP rs142326550, ClinGen allele CA7046787.

ClinVar aggregate classification (germline): Likely benign. Review status: criteria provided, multiple submitters, no conflicts (2 of 4 stars). 6 submissions from 6 submitters: Likely benign (4). 2 of the submissions do not count toward it. Last evaluated 2025-12-29.

Conditions:
Autosomal dominant familial hematuria-retinal arteriolar tortuosity-contractures syndrome. Also called: Angiopathy, hereditary, with nephropathy, aneurysms, and muscle cramps; Hereditary Angiopathy with Nephropathy, Aneurysms, and Muscle Cramps (HANAC) Syndrome. Identifiers: Orphanet 73229, MedGen C2673195, MONDO:0012726, OMIM 611773.
Retinal arterial tortuosity. Also called: RETINAL HEMORRHAGE WITH VASCULAR TORTUOSITY; Retinal arteries, tortuosity of. Identifiers: Orphanet 75326, MedGen C0423401, MONDO:0008373, OMIM 180000, HP:0000631.
Hemorrhage, intracerebral, susceptibility to (ICH). Also called: Stroke, hemorrhagic, susceptibility to. Identifiers: MedGen C3281105, MONDO:0100533, OMIM 614519.
Brain small vessel disease 1 with or without ocular anomalies (BSVD1). Also called: BRAIN SMALL VESSEL DISEASE WITH HEMORRHAGE; Brain small vessel disease with or without ocular anomalies; PORENCEPHALY, TYPE 1, AUTOSOMAL DOMINANT; GOULD SYNDROME 1. Identifiers: Orphanet 2940, Orphanet 36383, Orphanet 99810, MedGen C4755307, MONDO:0008289, OMIM 175780.
Microangiopathy and leukoencephalopathy, pontine, autosomal dominant. Also called: DEMENTIA, HEREDITARY MULTI-INFARCT, SWEDISH TYPE; Pontine autosomal dominant microangiopathy with leukoencephalopathy. Identifiers: Orphanet 477749, MedGen C5231411, MONDO:0032814, OMIM 618564.
COL4A1-related disorder. Also called: COL4A1-related disorders; COL4A1-related condition. Identifiers: MedGen CN376119, MONDO:0800461.

Allele frequency attached by ClinVar (database versions not stated): ExAC 0.00007; gnomAD exomes 0.00010 and 0.00034; gnomAD 0.00013 and 0.00014; TOPMed 0.00014; ESP Exome Variant Server 0.00023.
gnomAD v4.1: 516 of 1,614,104 alleles (0.032%); highest among the groups gnomAD compares: Non-Finnish European, 0.041%; 1 homozygote.

Submissions (6):

Labcorp Genetics (formerly Invitae), Labcorp
Classification: Likely benign. Last evaluated: 2025-12-29. Review status: criteria provided, single submitter. Criteria: Invitae Variant Classification Sherloc (09022015). Collection method: clinical testing. Allele origin: germline.

Mayo Clinic Laboratories, Mayo Clinic
Classification: Likely benign. Last evaluated: 2025-10-30. Review status: criteria provided, single submitter. Criteria: ACMG Guidelines, 2015. Collection method: clinical testing. Allele origin: germline. Observed: 1 variant allele.
Comment: BP4, BP7

Blueprint Genetics
Classification: Likely benign. Last evaluated: 2024-10-29. Review status: criteria provided, single submitter. Criteria: ACMG Guidelines, 2015. Collection method: clinical testing. Allele origin: germline.

Fulgent Genetics
Classification: Likely benign for Brain small vessel disease 1 with or without ocular anomalies; Retinal arterial tortuosity; Autosomal dominant familial hematuria-retinal arteriolar tortuosity-contractures syndrome; Hemorrhage, intracerebral, susceptibility to; Microangiopathy and leukoencephalopathy, pontine, autosomal dominant. Last evaluated: 2021-11-02. Review status: criteria provided, single submitter. Criteria: ACMG Guidelines, 2015. Collection method: clinical testing. Allele origin: unknown.

PreventionGenetics, part of Exact Sciences
Classification: Likely benign for COL4A1-related condition. Last evaluated: 2024-06-06. Review status: no assertion criteria provided. Collection method: clinical testing. Allele origin: germline. Not counted in ClinVar's aggregate classification.
Comment: This variant is classified as likely benign based on ACMG/AMP sequence variant interpretation guidelines (Richards et al. 2015 PMID: 25741868, with internal and published modifications).

Department of Pathology and Laboratory Medicine, Sinai Health System
Classification: Uncertain significance. Review status: no assertion criteria provided. Collection method: clinical testing. Allele origin: unknown. Affected: yes. Study: The Canadian Open Genetics Repository (COGR). Not counted in ClinVar's aggregate classification.